The following is an entry in ClinVar:

ClinVar aggregate classification (germline): Uncertain significance. Review status: criteria provided, multiple submitters, no conflicts (2 of 4 stars). 2 submissions from 2 submitters: Uncertain significance (2). Last evaluated 2024-10-22.

Conditions:
DICER1-related tumor predisposition. Also called: DICER1 syndrome; DICER1-related pleuropulmonary blastoma cancer predisposition syndrome. Identifiers: Orphanet 284343, MedGen C3839822, MONDO:0100216.
Hereditary cancer-predisposing syndrome. Also called: Hereditary neoplastic syndrome; Tumor predisposition; Hereditary Cancer Syndrome; Neoplastic Syndromes, Hereditary. Identifiers: Orphanet 140162, MedGen C0027672, MeSH D009386, MONDO:0015356.

Allele frequency attached by ClinVar (database versions not stated): gnomAD exomes below 0.00001.
gnomAD v4.1: 2 of 1,614,178 alleles (0.00012%); highest among the groups gnomAD compares: East Asian, 0.0045%; no homozygotes.

Submissions (2):

Ambry Genetics
Classification: Uncertain significance for Hereditary cancer-predisposing syndrome. Last evaluated: 2024-10-22. Review status: criteria provided, single submitter. Criteria: Ambry Variant Classification Scheme 2023. Collection method: clinical testing. Allele origin: germline.
Comment: The p.Q1832R variant (also known as c.5495A>G), located in coding exon 24 of the DICER1 gene, results from an A to G substitution at nucleotide position 5495. The glutamine at codon 1832 is replaced by arginine, an amino acid with highly similar properties. This amino acid position is well conserved in available vertebrate species. In addition, this alteration is predicted to be tolerated by in silico analysis. Based on the available evidence, the clinical significance of this variant remains unclear.

Labcorp Genetics (formerly Invitae), Labcorp
Classification: Uncertain significance for DICER1-related tumor predisposition. Last evaluated: 2024-08-21. Review status: criteria provided, single submitter. Criteria: Invitae Variant Classification Sherloc (09022015). Collection method: clinical testing. Allele origin: germline.
Comment: This sequence change replaces glutamine, which is neutral and polar, with arginine, which is basic and polar, at codon 1832 of the DICER1 protein (p.Gln1832Arg). This variant is not present in population databases (gnomAD no frequency). This variant has not been reported in the literature in individuals affected with DICER1-related conditions. ClinVar contains an entry for this variant (Variation ID: 578065). An algorithm developed to predict the effect of missense changes on protein structure and function (PolyPhen-2) suggests that this variant is likely to be tolerated. In summary, the available evidence is currently insufficient to determine the role of this variant in disease. Therefore, it has been classified as a Variant of Uncertain Significance.

NM_177438.3(DICER1):c.5495A>G (p.Gln1832Arg)

Gene: DICER1 (dicer 1, ribonuclease III; minus strand). Cytogenetic location: 14q32.13.
Variant type: single nucleotide variant.
Coding change: c.5495A>G on transcript NM_177438.3 (MANE Select); coding-DNA position 5495, A replaced by G.
Protein change: p.Gln1832Arg; replaces glutamine 1832 with arginine.
Molecular consequence: missense variant. On other transcripts: intron variant (1).
Genome position (GRCh38, 1-based): chr14:95,091,235, T>C on the plus strand (A>G on the coding strand, the complement: DICER1 is on the minus strand). VCF-style: chr14-95091235-T-C. GRCh37 (hg19) VCF-style: chr14-95557572-T-C.
Other names: c.5495A>G, p.Gln1832Arg (NM_001271282.3, NM_001291628.2, NM_030621.4); c.5365-126A>G (NM_001195573.1); short protein forms Q1832R.
Identifiers: ClinVar variation 578065 (VCV000578065.15), dbSNP rs1566746163, ClinGen allele CA390864526.
Genomic context (GRCh38, chr14:95,091,235, plus strand): 5'-TTTTCTTTCTAAAGGGAGCCAACAATACCTATTAGTGGCCGCATCATGGGATAGTACACC[T>C]GCCAGACTGTCTCCAGTGACATCCCACTATCCATGTAAATGGCACCAGCAAGCGACTCAA-3'
Protein context (NP_803187.1, residues 1822-1842): DSGMSLETVW[Gln1832Arg]VYYPMMRPLI